The following is an entry in ClinVar:

NM_017802.4(DNAAF5):c.948G>A (p.Trp316Ter)

Gene: DNAAF5 (dynein axonemal assembly factor 5; plus strand). Cytogenetic location: 7p22.3.
Variant type: single nucleotide variant.
Coding change: c.948G>A on transcript NM_017802.4 (MANE Select); coding-DNA position 948, G replaced by A.
Protein change: p.Trp316Ter; replaces tryptophan 316 with a stop codon.
Molecular consequence: nonsense. On other transcripts: non-coding transcript variant (1).
Genome position (GRCh38, 1-based): chr7:741,389, G>A. VCF-style: chr7-741389-G-A. GRCh37 (hg19) VCF-style: chr7-781026-G-A.
Other names: short protein forms W316*.
Identifiers: ClinVar variation 663589 (VCV000663589.7), dbSNP rs201507046, ClinGen allele CA4110544.

ClinVar aggregate classification (germline): Pathogenic (1 of 4 stars; one submission).

Conditions:
Primary ciliary dyskinesia. Also called: Ciliary dyskinesia. Identifiers: Orphanet 244, MedGen C0008780, MONDO:0016575, HP:0012265.

Allele frequency attached by ClinVar (database versions not stated): ExAC below 0.00001; gnomAD exomes below 0.00001; TOPMed below 0.00001; ESP Exome Variant Server 0.00008.

Submission:

Labcorp Genetics (formerly Invitae), Labcorp
Classification: Pathogenic for Primary ciliary dyskinesia. Last evaluated: 2024-04-11. Review status: criteria provided, single submitter. Criteria: Invitae Variant Classification Sherloc (09022015). Collection method: clinical testing. Allele origin: germline.
Comment: This sequence change creates a premature translational stop signal (p.Trp316*) in the DNAAF5 gene. It is expected to result in an absent or disrupted protein product. Loss-of-function variants in DNAAF5 are known to be pathogenic (PMID: 24307375, 25232951). This variant is not present in population databases (gnomAD no frequency). This variant has not been reported in the literature in individuals affected with DNAAF5-related conditions. ClinVar contains an entry for this variant (Variation ID: 663589). For these reasons, this variant has been classified as Pathogenic.

Literature cited by the submitters: PubMed 24307375; PubMed 25232951.